The following is an entry in ClinVar:

NM_002519.3(NPAT):c.1661C>G (p.Ser554Cys)

Gene: NPAT (nuclear protein, coactivator of histone transcription; minus strand). Cytogenetic location: 11q22.3.
Variant type: single nucleotide variant.
Coding change: c.1661C>G on transcript NM_002519.3 (MANE Select); coding-DNA position 1661, C replaced by G.
Protein change: p.Ser554Cys; replaces serine 554 with cysteine.
Molecular consequence: missense variant.
Genome position (GRCh38, 1-based): chr11:108,173,323, G>C on the plus strand (C>G on the coding strand, the complement: NPAT is on the minus strand). VCF-style: chr11-108173323-G-C. GRCh37 (hg19) VCF-style: chr11-108044050-G-C.
Other names: c.1661C>G, p.Ser554Cys (NM_001321307.1); short protein forms S554C.
Identifiers: ClinVar variation 3222482 (VCV003222482.1), dbSNP rs1272385584, ClinGen allele CA382514643.

ClinVar aggregate classification (germline): Uncertain significance (1 of 4 stars; one submission).

Submission:

Ambry Genetics
Classification: Uncertain significance. Last evaluated: 2024-02-10. Review status: criteria provided, single submitter. Criteria: Ambry Variant Classification Scheme 2023. Collection method: clinical testing. Allele origin: germline.
Comment: The p.S554C variant (also known as c.1661C>G), located in coding exon 13 of the NPAT gene, results from a C to G substitution at nucleotide position 1661. The serine at codon 554 is replaced by cysteine, an amino acid with dissimilar properties. This amino acid position is conserved. In addition, this alteration is predicted to be tolerated by in silico analysis. Based on the available evidence, the clinical significance of this alteration remains unclear.